The following is an entry in ClinVar:

NM_199242.3(UNC13D):c.2761C>T (p.Arg921Cys)

Genes: UNC13D (unc-13 homolog D; minus strand), LOC112533672 (Sharpr-MPRA regulatory region 1193; plus strand). Cytogenetic location: 17q25.1.
Variant type: single nucleotide variant.
Coding change: c.2761C>T on transcript NM_199242.3 (MANE Select); coding-DNA position 2761, C replaced by T.
Protein change: p.Arg921Cys; replaces arginine 921 with cysteine.
Molecular consequence: missense variant.
Genome position (GRCh38, 1-based): chr17:75,830,431, G>A on the plus strand (C>T on the coding strand, the complement: UNC13D is on the minus strand). VCF-style: chr17-75830431-G-A. GRCh37 (hg19) VCF-style: chr17-73826512-G-A.
Other names: short protein forms R921C.
Identifiers: ClinVar variation 235688 (VCV000235688.15), dbSNP rs373079371, ClinGen allele CA8772398.
Genomic context (GRCh38, chr17:75,830,431, plus strand): 5'-CCAGGGGCAGCAGGCTGGAGGCGCTGAGCAGCTCCACACGCAGCTTCTGCTCAGAGGCGC[G>A]GTAGGAGGCCTTGACTGTCACAGCCCCCAGCTCCTCAGAGGTGGTTTCTGCCTGGGGTGG-3'
Protein context (NP_954712.1, residues 911-931): LGAVTVKASY[Arg921Cys]ASEQKLRVEL

ClinVar aggregate classification (germline): Uncertain significance. Review status: criteria provided, multiple submitters, no conflicts (2 of 4 stars). 4 submissions from 4 submitters: Uncertain significance (4). Last evaluated 2026-03-23.

Conditions:
Inborn genetic diseases. Identifiers: MedGen C0950123, MeSH D030342.
UNC13D-related disorder. Also called: UNC13D-related condition.
Familial hemophagocytic lymphohistiocytosis 3 (FHL3). Also called: UNC13D-Related Familial Hemophagocytic Lymphohistiocytosis (UNC13D-fHLH). Identifiers: Orphanet 540, MedGen C1837174, MONDO:0012146, OMIM 608898.

Allele frequency attached by ClinVar (database versions not stated): TOPMed 0.00002; gnomAD 0.00003; 1000 Genomes Project 30x 0.00031; ExAC 0.00005; 1000 Genomes Project 0.00020.
gnomAD v4.1: 16 of 1,585,730 alleles (0.001%); highest among the groups gnomAD compares: Admixed American, 0.009%; no homozygotes.

Submissions (4):

Ambry Genetics
Classification: Uncertain significance for Inborn genetic diseases. Last evaluated: 2026-03-23. Review status: criteria provided, single submitter. Criteria: Ambry Variant Classification Scheme 2023. Collection method: clinical testing. Allele origin: germline.
Comment: The c.2761C>T (p.R921C) alteration is located in exon 29 (coding exon 29) of the UNC13D gene. This alteration results from a C to T substitution at nucleotide position 2761, causing the arginine (R) at amino acid position 921 to be replaced by a cysteine (C). Based on data from gnomAD, the T allele has an overall frequency of 0.002% (5/232812) total alleles studied. The highest observed frequency was 0.005% (1/20780) of African alleles. Based on insufficient or conflicting evidence, the clinical significance of this alteration remains unclear.

Labcorp Genetics (formerly Invitae), Labcorp
Classification: Uncertain significance for Familial hemophagocytic lymphohistiocytosis 3. Last evaluated: 2024-11-18. Review status: criteria provided, single submitter. Criteria: Invitae Variant Classification Sherloc (09022015). Collection method: clinical testing. Allele origin: germline.
Comment: This sequence change replaces arginine, which is basic and polar, with cysteine, which is neutral and slightly polar, at codon 921 of the UNC13D protein (p.Arg921Cys). The frequency data for this variant in the population databases is considered unreliable, as metrics indicate poor data quality at this position in the gnomAD database. This variant has not been reported in the literature in individuals affected with UNC13D-related conditions. ClinVar contains an entry for this variant (Variation ID: 235688). Invitae Evidence Modeling of protein sequence and biophysical properties (such as structural, functional, and spatial information, amino acid conservation, physicochemical variation, residue mobility, and thermodynamic stability) indicates that this missense variant is not expected to disrupt UNC13D protein function with a negative predictive value of 80%. In summary, the available evidence is currently insufficient to determine the role of this variant in disease. Therefore, it has been classified as a Variant of Uncertain Significance.

PreventionGenetics, part of Exact Sciences
Classification: Uncertain significance for UNC13D-related condition. Last evaluated: 2023-01-04. Review status: criteria provided, single submitter. Criteria: ACMG Guidelines, 2015. Collection method: clinical testing. Allele origin: germline.
Comment: The UNC13D c.2761C>T variant is predicted to result in the amino acid substitution p.Arg921Cys. To our knowledge, this variant has not been reported in the literature. This variant is reported in 0.0048% of alleles in individuals of African descent in gnomAD. At this time, the clinical significance of this variant is uncertain due to the absence of conclusive functional and genetic evidence.

Center for Pediatric Genomic Medicine, Children's Mercy Hospital and Clinics
Classification: Uncertain significance. Last evaluated: 2015-06-05. Review status: criteria provided, single submitter. Criteria: ACMG Guidelines, 2015. Collection method: clinical testing. Allele origin: germline.
ClinVar note: Converted during submission from Uncertain Significance to Uncertain significance.